The following is an entry in ClinVar:

ClinVar aggregate classification (germline): Uncertain significance (1 of 4 stars; one submission).

Conditions:
SEMA3G-related disorder. Also called: SEMA3G-related condition.

Submission:

PreventionGenetics, part of Exact Sciences
Classification: Uncertain significance for SEMA3G-related condition. Last evaluated: 2026-05-12. Review status: criteria provided, single submitter. Criteria: ACMG Guidelines, 2015. Collection method: clinical testing. Allele origin: germline.
Comment: The SEMA3G c.1917delG variant is predicted to result in a frameshift and premature protein termination (p.Leu640Cysfs*34). To our knowledge, this variant has not been reported in the literature or in a large population database (gnomAD), indicating this variant is rare. At this time, the clinical significance of this variant is uncertain due to the absence of conclusive functional and genetic evidence.

NM_020163.3(SEMA3G):c.1917del (p.Leu640fs)

Gene: SEMA3G (semaphorin 3G; minus strand). Cytogenetic location: 3p21.1.
Variant type: Deletion.
Coding change: c.1917del on transcript NM_020163.3 (MANE Select); coding-DNA position 1917, one base deleted (G; older notation c.1917delG).
Protein change: p.Leu640fs; shifts the reading frame from leucine 640.
Molecular consequence: frameshift variant.
Genome position (GRCh38, 1-based): chr3:52,436,035, C deleted on the plus strand (G on the coding strand, the reverse complement: SEMA3G is on the minus strand); the first of 5 consecutive C bases (chr3:52,436,035-52,436,039); deleting any one gives the same sequence. VCF-style (leftmost placement, unchanged base first): chr3-52436034-GC-G. GRCh37 (hg19) VCF-style: chr3-52470050-GC-G.
Other names: short protein forms L640fs.
Identifiers: ClinVar variation 4991095 (VCV004991095.1).
Genomic context (GRCh38, chr3:52,436,034, plus strand): 5'-GCTCCAGAGTGGTGCAGGTGTAGGTGCCCGCATCGAAACGGCTAAGCCTGCGGAACAGCA[GC>G]CCCCGCTCCGTGTGCAAGACTCGCTCGTCCGTCTTCACCTGCCATGCGGGCGGGAGGGCG-3'